The following is an entry in ClinVar:

NM_001042492.3(NF1):c.1757C>G (p.Thr586Ser)

Gene: NF1 (neurofibromin 1; plus strand). Cytogenetic location: 17q11.2.
Variant type: single nucleotide variant.
Coding change: c.1757C>G on transcript NM_001042492.3 (MANE Select); coding-DNA position 1757, C replaced by G.
Protein change: p.Thr586Ser; replaces threonine 586 with serine.
Molecular consequence: missense variant.
Genome position (GRCh38, 1-based): chr17:31,223,479, C>G. VCF-style: chr17-31223479-C-G. GRCh37 (hg19) VCF-style: chr17-29550497-C-G.
Other names: c.1757C>G, p.Thr586Ser (NM_000267.4); short protein forms T586S.
Identifiers: ClinVar variation 1779489 (VCV001779489.2), dbSNP rs2144016123, ClinGen allele CA399004162.

ClinVar aggregate classification (germline): Uncertain significance (1 of 4 stars; one submission).

Conditions:
Cardiovascular phenotype. Identifiers: MedGen CN230736.
Hereditary cancer-predisposing syndrome. Also called: Neoplastic Syndromes, Hereditary; Tumor predisposition; Hereditary Cancer Syndrome; Hereditary neoplastic syndrome. Identifiers: Orphanet 140162, MedGen C0027672, MeSH D009386, MONDO:0015356.

Submission:

Ambry Genetics
Classification: Uncertain significance for Cardiovascular phenotype; Hereditary cancer-predisposing syndrome. Last evaluated: 2023-12-09. Review status: criteria provided, single submitter. Criteria: Ambry Variant Classification Scheme 2023. Collection method: clinical testing. Allele origin: germline.
Comment: The p.T586S variant (also known as c.1757C>G), located in coding exon 16 of the NF1 gene, results from a C to G substitution at nucleotide position 1757. The threonine at codon 586 is replaced by serine, an amino acid with similar properties. This amino acid position is well conserved in available vertebrate species. In addition, this alteration is predicted to be tolerated by in silico analysis. Since supporting evidence is limited at this time, the clinical significance of this alteration remains unclear.